The following is an entry in ClinVar:

ClinVar aggregate classification (germline): Likely pathogenic (1 of 4 stars; one submission).

Conditions:
Polycystic kidney disease 2 (PKD2). Also called: POLYCYSTIC KIDNEY DISEASE 2 WITH OR WITHOUT POLYCYSTIC LIVER DISEASE; POLYCYSTIC KIDNEY DISEASE, ADULT, TYPE II; Polycystic Kidney Disease 2, Autosomal Dominant. Identifiers: MedGen C2751306, MONDO:0013131, OMIM 613095.

Submission:

Center for Human Genetics and Genomic Medicine, Uniklinik Rwth Aachen
Classification: Likely pathogenic for Polycystic kidney disease 2. Last evaluated: 2025-03-24. Review status: criteria provided, single submitter. Criteria: ACMG Guidelines, 2015. Collection method: clinical testing. Allele origin: unknown. Inheritance: Autosomal dominant inheritance. Affected: yes. Observed: 1 heterozygote.
Comment: The detected alteration is not reported in the general population (gnomAD v4.1.0) (as of March 24, 2025). It has not yet been described in the PKD locus-specific database, the ClinVar database, or the literature. The variant leads to a premature stop codon and thus usually either to premature termination of translation or a so-called "nonsense-mediated mRNA decay." In both cases, a loss of function of the protein occurs. Haploinsufficiency intolerance has been described as a pathomechanism for the gene under investigation. Therefore, it is highly likely that it is pathogenetically relevant. The variant is currently considered a "likely pathogenic variant" (PVS1, PM2_supp, ACMG criteria).

NM_000297.4(PKD2):c.2080C>T (p.Gln694Ter)

Gene: PKD2 (polycystin 2, transient receptor potential cation channel; plus strand). Cytogenetic location: 4q22.1.
Variant type: single nucleotide variant.
Coding change: c.2080C>T on transcript NM_000297.4 (MANE Select); coding-DNA position 2080, C replaced by T.
Protein change: p.Gln694Ter; replaces glutamine 694 with a stop codon.
Molecular consequence: nonsense. On other transcripts: non-coding transcript variant (1).
Genome position (GRCh38, 1-based): chr4:88,061,966, C>T. VCF-style: chr4-88061966-C-T. GRCh37 (hg19) VCF-style: chr4-88983118-C-T.
Other names: short protein forms Q694*.
Identifiers: ClinVar variation 3777038 (VCV003777038.1).